The following is an entry in ClinVar:

NM_183357.3(ADCY5):c.199_202dup (p.Arg68fs)

Gene: ADCY5 (adenylate cyclase 5; minus strand). Cytogenetic location: 3q21.1.
Variant type: Duplication.
Coding change: c.199_202dup on transcript NM_183357.3 (MANE Select); coding-DNA positions 199 to 202, 4 bases duplicated (CAGC; older notation c.199_202dupCAGC).
Protein change: p.Arg68fs; shifts the reading frame from arginine 68.
Molecular consequence: frameshift variant.
Genome position (GRCh38, 1-based): chr3:123,448,344-123,448,347, GCTG duplicated on the plus strand (CAGC on the coding strand, the reverse complement: ADCY5 is on the minus strand). VCF-style (leftmost placement, unchanged base first): chr3-123448343-C-CGCTG. GRCh37 (hg19) VCF-style: chr3-123167190-C-CGCTG.
Other names: c.199_202dup, p.Arg68fs (NM_001378259.1); short protein forms R68fs.
Identifiers: ClinVar variation 4797714 (VCV004797714.1).

ClinVar aggregate classification (germline): Pathogenic (1 of 4 stars; one submission).

Submission:

Labcorp Genetics (formerly Invitae), Labcorp
Classification: Pathogenic. Last evaluated: 2025-03-03. Review status: criteria provided, single submitter. Criteria: Invitae Variant Classification Sherloc (09022015). Collection method: clinical testing. Allele origin: germline.
Comment: This sequence change creates a premature translational stop signal (p.Arg68Profs*20) in the ADCY5 gene. It is expected to result in an absent or disrupted protein product. Loss-of-function variants in ADCY5 are known to be pathogenic (PMID: 28971144, 34631954). This variant is not present in population databases (gnomAD no frequency). This variant has not been reported in the literature in individuals affected with ADCY5-related conditions. For these reasons, this variant has been classified as Pathogenic.

Literature cited by the submitters: PubMed 28971144; PubMed 34631954.